The following is an entry in ClinVar:

NM_001009944.3(PKD1):c.5052G>A (p.Ser1684=)

Gene: PKD1 (polycystin 1, transient receptor potential channel interacting; minus strand). Cytogenetic location: 16p13.3.
Variant type: single nucleotide variant.
Coding change: c.5052G>A on transcript NM_001009944.3 (MANE Select); coding-DNA position 5052, G replaced by A.
Protein change: p.Ser1684=; no amino-acid change (serine 1684 retained).
Molecular consequence: synonymous variant.
Genome position (GRCh38, 1-based): chr16:2,110,115, C>T on the plus strand (G>A on the coding strand, the complement: PKD1 is on the minus strand). VCF-style: chr16-2110115-C-T. GRCh37 (hg19) VCF-style: chr16-2160116-C-T.
Other names: c.5052G>A, p.Ser1684= (NM_000296.4).
Identifiers: ClinVar variation 3353039 (VCV003353039.1).
Genomic context (GRCh38, chr16:2,110,115, plus strand): 5'-GCCCAGCATGTTGGTGGCCCGCAGCTGCACATGGTAGGTGCCGGCCTCGAGCACGGTGAG[C>T]GAGAAGCCTTTGCCGCTGCCGGCCAGGGCCGGGCCCCTGTCCCTCCAGGCAGTCCAGCTG-3'
Protein context (NP_001009944.3, residues 1674-1694): PALAGSGKGF[Ser1684=]LTVLEAGTYH

ClinVar aggregate classification (germline): Likely benign (0 of 4 stars; one submission).

Conditions:
PKD1-related disorder. Also called: PKD1-related condition.

gnomAD v4.1: 23 of 1,609,410 alleles (0.0014%); highest among the groups gnomAD compares: South Asian, 0.0022%; no homozygotes.

Submission:

PreventionGenetics, part of Exact Sciences
Classification: Likely benign for PKD1-related condition. Last evaluated: 2024-06-03. Review status: no assertion criteria provided. Collection method: clinical testing. Allele origin: germline.
Comment: This variant is classified as likely benign based on ACMG/AMP sequence variant interpretation guidelines (Richards et al. 2015 PMID: 25741868, with internal and published modifications).